The following is an entry in ClinVar:

NM_001271.4(CHD2):c.4413+1G>A

Gene: CHD2 (chromodomain helicase DNA binding protein 2; plus strand). Cytogenetic location: 15q26.1.
Variant type: single nucleotide variant.
Coding change: c.4413+1G>A on transcript NM_001271.4 (MANE Select); the canonical splice donor site of the intron after coding-DNA position 4413, G replaced by A.
Molecular consequence: splice donor variant.
Genome position (GRCh38, 1-based): chr15:93,004,752, G>A. VCF-style: chr15-93004752-G-A. GRCh37 (hg19) VCF-style: chr15-93547982-G-A.
Identifiers: ClinVar variation 280318 (VCV000280318.2), dbSNP rs886041547, ClinGen allele CA10603485.

ClinVar aggregate classification (germline): Pathogenic (1 of 4 stars; one submission).

Submission:

GeneDx
Classification: Pathogenic. Last evaluated: 2016-08-05. Review status: criteria provided, single submitter. Criteria: GeneDx Variant Classification (06012015). Collection method: clinical testing. Allele origin: germline. Affected: yes.
Comment: A novel c.4413+1 G>A variant that is likely pathogenic has been identified in the CHD2 gene. The c.4413+1 G>A variant has not been published as a pathogenic variant, nor has it been reported as a benign variant to our knowledge. It was not observed in approximately 6,500 individuals of European and African American ancestry in the NHLBI Exome Sequencing Project, indicating it is not a common benign variant in these populations. The c.4413+1 G>A splice site variant destroys the canonical splice donor site in intron 34. It is predicted to cause abnormal gene splicing, either leading to an abnormal message that is subject to nonsense-mediated mRNA decay, or to an abnormal protein product if the message is used for protein translation. Therefore, we now interpret c.4413+1 G>A as a pathogenic variant.